The following is an entry in ClinVar:

NM_001105206.3(LAMA4):c.4821+5G>T

Gene: LAMA4 (laminin subunit alpha 4; minus strand). Cytogenetic location: 6q21.
Variant type: single nucleotide variant.
Coding change: c.4821+5G>T on transcript NM_001105206.3 (MANE Select); 5 bases into the intron after coding-DNA position 4821, G replaced by T.
Molecular consequence: intron variant.
Genome position (GRCh38, 1-based): chr6:112,119,151, C>A on the plus strand (G>T on the coding strand, the complement: LAMA4 is on the minus strand). VCF-style: chr6-112119151-C-A. GRCh37 (hg19) VCF-style: chr6-112440354-C-A.
Other names: c.4800+5G>T (NM_002290.5, NM_001105207.3).
Identifiers: ClinVar variation 3654053 (VCV003654053.2).
Genomic context (GRCh38, chr6:112,119,151, plus strand): 5'-GGCCTCAATTAGATGATCTTCTGGCTCTAATGGTCAATGGCTCTACCTGGTCATGCCTGG[C>A]TTACCTGAACATTTTTCACAGCCTTTCCAGGAGCCACACCTCCCAAATAAATGGGACCCT-3'

ClinVar aggregate classification (germline): Uncertain significance (1 of 4 stars; one submission).

Conditions:
Dilated cardiomyopathy 1JJ (CMD1JJ). Identifiers: Orphanet 154, MedGen C3808935, MONDO:0014095, OMIM 615235.

Submission:

Labcorp Genetics (formerly Invitae), Labcorp
Classification: Uncertain significance for Dilated cardiomyopathy 1JJ. Last evaluated: 2024-05-21. Review status: criteria provided, single submitter. Criteria: Invitae Variant Classification Sherloc (09022015). Collection method: clinical testing. Allele origin: germline.
Comment: This sequence change falls in intron 34 of the LAMA4 gene. It does not directly change the encoded amino acid sequence of the LAMA4 protein. It affects a nucleotide within the consensus splice site. This variant is not present in population databases (gnomAD no frequency). This variant has not been reported in the literature in individuals affected with LAMA4-related conditions. Variants that disrupt the consensus splice site are a relatively common cause of aberrant splicing (PMID: 17576681, 9536098). Algorithms developed to predict the effect of sequence changes on RNA splicing suggest that this variant is not likely to affect RNA splicing. In summary, the available evidence is currently insufficient to determine the role of this variant in disease. Therefore, it has been classified as a Variant of Uncertain Significance.

Literature cited by the submitters: PubMed 17576681; PubMed 9536098.